The following is an entry in ClinVar:

ClinVar aggregate classification (germline): Uncertain significance. Review status: criteria provided, multiple submitters, no conflicts (2 of 4 stars). 2 submissions from 2 submitters: Uncertain significance (2). Last evaluated 2024-02-27.

Allele frequency attached by ClinVar (database versions not stated): gnomAD exomes 0.00001; ExAC 0.00002; gnomAD 0.00003; TOPMed 0.00003; ESP Exome Variant Server 0.00008.
gnomAD v4.1: 30 of 1,613,366 alleles (0.0019%); highest among the groups gnomAD compares: African/African-American, 0.004%; no homozygotes.

Submissions (2):

Blueprint Genetics
Classification: Uncertain significance. Last evaluated: 2024-02-27. Review status: criteria provided, single submitter. Criteria: ACMG Guidelines, 2015. Collection method: clinical testing. Allele origin: germline.

Labcorp Genetics (formerly Invitae), Labcorp
Classification: Uncertain significance. Last evaluated: 2022-01-13. Review status: criteria provided, single submitter. Criteria: Invitae Variant Classification Sherloc (09022015). Collection method: clinical testing. Allele origin: germline.
Comment: This sequence change replaces valine, which is neutral and non-polar, with methionine, which is neutral and non-polar, at codon 1744 of the TUBGCP6 protein (p.Val1744Met). This variant is present in population databases (rs147437350, gnomAD 0.004%). This variant has not been reported in the literature in individuals affected with TUBGCP6-related conditions. ClinVar contains an entry for this variant (Variation ID: 1040637). Algorithms developed to predict the effect of missense changes on protein structure and function are either unavailable or do not agree on the potential impact of this missense change (SIFT: "Tolerated"; PolyPhen-2: "Probably Damaging"; Align-GVGD: "Class C0"). In summary, the available evidence is currently insufficient to determine the role of this variant in disease. Therefore, it has been classified as a Variant of Uncertain Significance.

NM_020461.4(TUBGCP6):c.5230G>A (p.Val1744Met)

Gene: TUBGCP6 (tubulin gamma complex component 6; minus strand). Cytogenetic location: 22q13.33.
Variant type: single nucleotide variant.
Coding change: c.5230G>A on transcript NM_020461.4 (MANE Select); coding-DNA position 5230, G replaced by A.
Protein change: p.Val1744Met; replaces valine 1744 with methionine.
Molecular consequence: missense variant.
Genome position (GRCh38, 1-based): chr22:50,218,056, C>T on the plus strand (G>A on the coding strand, the complement: TUBGCP6 is on the minus strand). VCF-style: chr22-50218056-C-T. GRCh37 (hg19) VCF-style: chr22-50656485-C-T.
Other names: short protein forms V1744M.
Identifiers: ClinVar variation 1040637 (VCV001040637.7), dbSNP rs147437350, ClinGen allele CA10307116.